The following is an entry in ClinVar:

NM_000246.4(CIITA):c.1007-94A>G

Gene: CIITA (class II major histocompatibility complex transactivator; plus strand). Cytogenetic location: 16p13.13.
Variant type: single nucleotide variant.
Coding change: c.1007-94A>G on transcript NM_000246.4 (MANE Select); 94 bases into the intron before coding-DNA position 1007, A replaced by G.
Molecular consequence: intron variant.
Genome position (GRCh38, 1-based): chr16:10,906,405, A>G. VCF-style: chr16-10906405-A-G. GRCh37 (hg19) VCF-style: chr16-11000262-A-G.
Other names: c.1010-94A>G (NM_001286402.1, NM_001379332.1); c.863-94A>G (NM_001379330.1); c.1007-94A>G (NM_001379333.1); c.860-94A>G (NM_001379331.1); c.859+1593A>G (NM_001286403.2); c.938-94A>G (NM_001379334.1).
Identifiers: ClinVar variation 102992 (VCV000102992.2), dbSNP rs199476067, ClinGen allele CA229958.

ClinVar aggregate classification (germline): not provided (0 of 4 stars; one submission).

Allele frequency attached by ClinVar (database versions not stated): gnomAD 0.00009 and 0.00010; TOPMed 0.00013.
gnomAD v4.1: 28 of 1,361,366 alleles (0.0021%); highest among the groups gnomAD compares: African/African-American, 0.04%; no homozygotes.

Submission:

Human Evolutionary Genetics, Institut Pasteur
No classification provided. Review status: no classification provided. Collection method: not provided. Allele origin: germline.
ClinVar note: Converted during submission from untested to not provided.